The following is an entry in ClinVar:

ClinVar aggregate classification (germline): Likely pathogenic (1 of 4 stars; one submission).

Conditions:
Alagille syndrome due to a JAG1 point mutation. Also called: Alagille Syndrome 1; HEPATIC DUCTULAR HYPOPLASIA, SYNDROMATIC; JAG1-Related Alagille Syndrome. Identifiers: Orphanet 261619, Orphanet 52, MedGen C1956125, MONDO:0016862, OMIM 118450.

Submission:

HudsonAlpha Institute for Biotechnology
Classification: Likely pathogenic for Alagille syndrome due to a JAG1 point mutation. Last evaluated: 2020-12-07. Review status: criteria provided, single submitter. Criteria: ACMG Guidelines, 2015. Collection method: research. Allele origin: unknown. Affected: yes. Observed: 1 variant allele. Study: CSER-SouthSeq.
Comment: ACMG codes:PVS1, PM2

NM_000214.3(JAG1):c.588C>A (p.Cys196Ter)

Gene: JAG1 (jagged canonical Notch ligand 1; minus strand). Cytogenetic location: 20p12.2.
Variant type: single nucleotide variant.
Coding change: c.588C>A on transcript NM_000214.3 (MANE Select); coding-DNA position 588, C replaced by A.
Protein change: p.Cys196Ter; replaces cysteine 196 with a stop codon.
Molecular consequence: nonsense.
Genome position (GRCh38, 1-based): chr20:10,658,574, G>T on the plus strand (C>A on the coding strand, the complement: JAG1 is on the minus strand). VCF-style: chr20-10658574-G-T. GRCh37 (hg19) VCF-style: chr20-10639222-G-T.
Other names: short protein forms C196*.
Identifiers: ClinVar variation 992651 (VCV000992651.1), dbSNP rs1801138, ClinGen allele CA408240159.